The following is an entry in ClinVar:

NM_001145319.2(PLS1):c.383T>C (p.Phe128Ser)

Gene: PLS1 (plastin 1; plus strand). Cytogenetic location: 3q23.
Variant type: single nucleotide variant.
Coding change: c.383T>C on transcript NM_001145319.2 (MANE Select); coding-DNA position 383, T replaced by C.
Protein change: p.Phe128Ser; replaces phenylalanine 128 with serine.
Molecular consequence: missense variant.
Genome position (GRCh38, 1-based): chr3:142,676,175, T>C. VCF-style: chr3-142676175-T-C. GRCh37 (hg19) VCF-style: chr3-142395017-T-C.
Other names: c.383T>C, p.Phe128Ser (NM_001172312.2, NM_002670.3); c.383T>C (NM_001172312.1); short protein forms F128S.
Identifiers: ClinVar variation 633603 (VCV000633603.4), dbSNP rs1577876794, ClinGen allele CA354827572.

ClinVar aggregate classification (germline): Likely pathogenic. Review status: criteria provided, single submitter (1 of 4 stars). 3 submissions from 3 submitters: Likely pathogenic (1). 2 of the submissions do not count toward it. Last evaluated 2024-10-16.

Conditions:
Autosomal dominant nonsyndromic hearing loss. Also called: Rare autosomal dominant non-syndromic sensorineural deafness type DFNA. Identifiers: Orphanet 90635, MedGen C5779548, MONDO:0019587.
Bilateral sensorineural hearing impairment. Also called: Bilateral sensorineural hearing loss. Identifiers: MedGen C0452138, HP:0008619.
Hearing loss, autosomal dominant 76. Also called: DEAFNESS, AUTOSOMAL DOMINANT 76. Identifiers: MedGen C5394080, MONDO:0032917, OMIM 618787.

Submissions (3):

GeneDx
Classification: Likely pathogenic. Last evaluated: 2024-10-16. Review status: criteria provided, single submitter. Criteria: GeneDx Variant Classification Process June 2021. Collection method: clinical testing. Allele origin: germline. Affected: yes.
Comment: Not observed at significant frequency in large population cohorts (gnomAD); In silico analysis supports that this missense variant has a deleterious effect on protein structure/function; This variant is associated with the following publications: (PMID: 31397523)

OMIM
Classification: Pathogenic for DEAFNESS, AUTOSOMAL DOMINANT 76. Last evaluated: 2020-02-21. Review status: no assertion criteria provided. Collection method: literature only. Allele origin: germline. Not counted in ClinVar's aggregate classification.

Laboratory of Molecular Genetics, Montpellier University Hospital
Classification: Likely pathogenic for Bilateral sensorineural hearing impairment; Autosomal dominant nonsyndromic hearing loss. Last evaluated: 2019-05-29. Review status: no assertion criteria provided. Collection method: clinical testing. Allele origin: inherited. Inheritance: Autosomal dominant inheritance. Affected: yes. Observed: 3 variant alleles, 3 heterozygotes. Not counted in ClinVar's aggregate classification.
Comment: The p.(Phe128Ser) variant in PLS1 has been reported in 3 individuals of the same family (3 generations) presenting with the phenotype. The variant is absent from large population studies and predicted to possibly alter the structure of the protein. It is then considered as likely pathogenic.

Literature cited by the submitters: PubMed 31397523 (cited by OMIM).